The following is an entry in ClinVar:

NM_001042492.3(NF1):c.5971T>A (p.Ser1991Thr)

Gene: NF1 (neurofibromin 1; plus strand). Cytogenetic location: 17q11.2.
Variant type: single nucleotide variant.
Coding change: c.5971T>A on transcript NM_001042492.3 (MANE Select); coding-DNA position 5971, T replaced by A.
Protein change: p.Ser1991Thr; replaces serine 1991 with threonine.
Molecular consequence: missense variant.
Genome position (GRCh38, 1-based): chr17:31,334,996, T>A. VCF-style: chr17-31334996-T-A. GRCh37 (hg19) VCF-style: chr17-29662014-T-A.
Other names: c.5908T>A, p.Ser1970Thr (NM_000267.4); short protein forms S1970T, S1991T.
Identifiers: ClinVar variation 1750431 (VCV001750431.2), dbSNP rs2151550683, ClinGen allele CA399010902.

ClinVar aggregate classification (germline): Uncertain significance (1 of 4 stars; one submission).

Conditions:
Cardiovascular phenotype. Identifiers: MedGen CN230736.
Hereditary cancer-predisposing syndrome. Also called: Hereditary Cancer Syndrome; Hereditary neoplastic syndrome; Neoplastic Syndromes, Hereditary; Tumor predisposition. Identifiers: Orphanet 140162, MedGen C0027672, MeSH D009386, MONDO:0015356.

Submission:

Ambry Genetics
Classification: Uncertain significance for Cardiovascular phenotype; Hereditary cancer-predisposing syndrome. Last evaluated: 2022-07-19. Review status: criteria provided, single submitter. Criteria: Ambry Variant Classification Scheme 2023. Collection method: clinical testing. Allele origin: germline.
Comment: The p.S1970T variant (also known as c.5908T>A), located in coding exon 39 of the NF1 gene, results from a T to A substitution at nucleotide position 5908. The serine at codon 1970 is replaced by threonine, an amino acid with similar properties. This amino acid position is conserved. In addition, this alteration is predicted to be deleterious by in silico analysis. Since supporting evidence is limited at this time, the clinical significance of this alteration remains unclear.